The following continues an entry in ClinVar:

NM_000051.4(ATM):c.3689A>G (p.Asn1230Ser)

Gene: ATM. ClinVar aggregate classification (germline): Conflicting classifications of pathogenicity. Uncertain significance (16); Likely benign (3).

Submissions 14 to 21 of 21:

CeGaT Center for Human Genetics Tuebingen
Classification: Uncertain significance. Last evaluated: 2023-09-01. Review status: criteria provided, single submitter. Criteria: CeGaT Center For Human Genetics Tuebingen Variant Classification Criteria Version 2. Collection method: clinical testing. Allele origin: germline. Affected: yes. Observed: 1 variant allele.
Comment: ATM: PM2, BP4

GeneDx
Classification: Uncertain significance. Last evaluated: 2023-08-10. Review status: criteria provided, single submitter. Criteria: GeneDx Variant Classification Process June 2021. Collection method: clinical testing. Allele origin: germline. Affected: yes.
Comment: Not observed at significant frequency in large population cohorts (gnomAD); In silico analysis supports that this missense variant does not alter protein structure/function; Observed in individuals with breast cancer, but also in unaffected controls (Decker et al., 2017; Hauke et al., 2018; Dorling et al., 2021); This variant is associated with the following publications: (PMID: 28779002, 29522266, 19781682, 33471991)

Blueprint Genetics
Classification: Uncertain significance. Last evaluated: 2023-07-04. Review status: criteria provided, single submitter. Criteria: ACMG Guidelines, 2015. Collection method: clinical testing. Allele origin: germline.

Institute for Clinical Genetics, University Hospital TU Dresden, University Hospital TU Dresden
Classification: Uncertain significance. Last evaluated: 2021-11-03. Review status: criteria provided, single submitter. Criteria: ACMG Guidelines, 2015. Collection method: clinical testing. Allele origin: germline.

Sema4
Classification: Uncertain significance for Hereditary cancer-predisposing syndrome. Last evaluated: 2021-06-16. Review status: criteria provided, single submitter. Criteria: Sema4 Curation Guidelines. Collection method: curation. Allele origin: germline.
Comment: The ATM c.3689A>G (p.N1230S) has been reported in heterozygosity in six individuals with breast cancer, but also in five unaffected controls from the same case-control study (PMID: 33471991). It was observed in 4/128410 chromosomes in the Non-Finnish European subpopulation in the large and broad cohorts of the Genome Aggregation Database (PMID: 32461654). This variant has been reported in ClinVar (Variation ID: 142043). In silico tools suggest the impact of the variant on protein function is inconclusive, though these predictions have not been confirmed by functional studies. The evidence is insufficient to meet ACMG/AMP criteria for classifying the variant as benign or pathogenic. Thus, the clinical significance of this variant is currently uncertain.

Ambry Genetics
Classification: Likely benign for Hereditary cancer-predisposing syndrome. Last evaluated: 2019-04-25. Review status: criteria provided, single submitter. Criteria: Ambry Variant Classification Scheme 2023. Collection method: clinical testing. Allele origin: germline.

Natera, Inc.
Classification: Uncertain significance for Ataxia-telangiectasia. Last evaluated: 2020-04-21. Review status: no assertion criteria provided. Collection method: clinical testing. Allele origin: germline. Not counted in ClinVar's aggregate classification.

Department of Pathology and Laboratory Medicine, Sinai Health System
Classification: Uncertain significance for Malignant tumor of breast. Review status: no assertion criteria provided. Collection method: clinical testing. Allele origin: unknown. Affected: yes. Observed: 1 variant allele. Study: The Canadian Open Genetics Repository (COGR). Not counted in ClinVar's aggregate classification.
Comment: The ATM p.Asn1230Ser variant was identified in 4 of 37352 proband chromosomes (frequency: 0.0001) from individuals or families with hereditary breast and ovarian cancer and was not identified in 10976 control chromosomes from healthy individuals (Decker 2017, Hauke 2018). The variant was also identified in dbSNP (ID: rs587782195) as â€šÃ„ÃºWith Uncertain significance alleleâ€šÃ„Ã¹, and in ClinVar (as likely benign by Ambry Genetics and uncertain significance by GeneDx, Invitae, and Integrated Genetics). The variant was not identified in COGR, Cosmic, MutDB, or LOVD 3.0 databases. The variant was identified in control databases in 4 of 275282 chromosomes at a frequency of 0.000015 (Genome Aggregation Database Feb 27, 2017). The variant was observed in the following populations: Latino in 1 of 34010 chromosomes (freq: 0.000029), and European (Non-Finnish) in 3 of 125972 chromosomes (freq: 0.000024); it was not observed in the African, Other, Ashkenazi Jewish, East Asian, Finnish, or South Asian populations. The p.Asn1230 residue is not conserved in mammals and the variant amino acid Serine (Ser) is present in mouse, pig, chicken, and African clawed frog, increasing the likelihood that this variant does not have clinical significance. Computational analyses (PolyPhen-2, SIFT, AlignGVGD, BLOSUM, MutationTaster) do not suggest a high likelihood of impact to the protein; however, this information is not predictive enough to rule out pathogenicity. In summary, based on the above information the clinical significance of this variant cannot be determined with certainty at this time. This variant is classified as a variant of uncertain significance.

Literature cited by the submitters: PubMed 29522266 (cited by 4 submitters); PubMed 33471991 (cited by 3 submitters); PubMed 31616062 (cited by Athena Diagnostics and Quest Diagnostics Nichols Institute San Juan Capistrano); PubMed 39907309 (cited by Athena Diagnostics and Quest Diagnostics Nichols Institute San Juan Capistrano); PubMed 28779002 (cited by Athena Diagnostics and Quest Diagnostics Nichols Institute San Juan Capistrano); PubMed 25085752 (cited by Myriad Genetics, Inc.).